The following is an entry in ClinVar:

NM_001079.4(ZAP70):c.563+13C>G

Gene: ZAP70 (zeta chain of T cell receptor associated protein kinase 70; plus strand). Cytogenetic location: 2q11.2.
Variant type: single nucleotide variant.
Coding change: c.563+13C>G on transcript NM_001079.4 (MANE Select); 13 bases into the intron after coding-DNA position 563, C replaced by G.
Molecular consequence: intron variant.
Genome position (GRCh38, 1-based): chr2:97,725,265, C>G. VCF-style: chr2-97725265-C-G. GRCh37 (hg19) VCF-style: chr2-98341728-C-G.
Other names: c.563+13C>G (NM_001378594.1).
Identifiers: ClinVar variation 137939 (VCV000137939.16), dbSNP rs2289918, ClinGen allele CA291660.

ClinVar aggregate classification (germline): Benign/Likely benign. Review status: criteria provided, multiple submitters, no conflicts (2 of 4 stars). 5 submissions from 5 submitters: Benign (4); Likely benign (1). Last evaluated 2026-02-04.

Conditions:
Combined immunodeficiency due to ZAP70 deficiency (IMD48). Also called: ZAP70 Deficiency; Immunodeficiency 48. Identifiers: Orphanet 911, MedGen C2931299, MONDO:0010023, OMIM 269840.

Allele frequency attached by ClinVar (database versions not stated): ExAC 0.12076; gnomAD 0.15954; TOPMed 0.18265; ESP Exome Variant Server 0.18453; gnomAD exomes 0.11463; 1000 Genomes Project 0.18251; 1000 Genomes Project 30x 0.18738.
gnomAD v4.1: 180,832 of 1,610,854 alleles (11%); highest among the groups gnomAD compares: African/African-American, 34%; 12,677 homozygotes.

Submissions (5):

Labcorp Genetics (formerly Invitae), Labcorp
Classification: Benign for Combined immunodeficiency due to ZAP70 deficiency. Last evaluated: 2026-02-04. Review status: criteria provided, single submitter. Criteria: Invitae Variant Classification Sherloc (09022015). Collection method: clinical testing. Allele origin: germline.

Blueprint Genetics
Classification: Likely benign. Last evaluated: 2024-11-26. Review status: criteria provided, single submitter. Criteria: ACMG Guidelines, 2015. Collection method: clinical testing. Allele origin: germline.

Illumina Laboratory Services, Illumina
Classification: Benign for Combined immunodeficiency due to ZAP70 deficiency. Last evaluated: 2018-01-13. Review status: criteria provided, single submitter. Criteria: ICSL Variant Classification Criteria 13 December 2019. Collection method: clinical testing. Allele origin: germline.
Comment: This variant was observed in the ICSL laboratory as part of a predisposition screen in an ostensibly healthy population. It had not been previously curated by ICSL or reported in the Human Gene Mutation Database (HGMD: prior to June 1st, 2018), and was therefore a candidate for classification through an automated scoring system. Utilizing variant allele frequency, disease prevalence and penetrance estimates, and inheritance mode, an automated score was calculated to assess if this variant is too frequent to cause the disease. Based on the score and internal cut-off values, a variant classified as benign is not then subjected to further curation. The score for this variant resulted in a classification of benign for this disease.

GeneDx
Classification: Benign. Last evaluated: 2012-11-28. Review status: criteria provided, single submitter. Criteria: GeneDx Variant Classification (06012015). Collection method: clinical testing. Allele origin: germline. Affected: yes.
Comment: This variant is considered likely benign or benign based on one or more of the following criteria: it is a conservative change, it occurs at a poorly conserved position in the protein, it is predicted to be benign by multiple in silico algorithms, and/or has population frequency not consistent with disease.

Breakthrough Genomics
Classification: Benign. Review status: criteria provided, single submitter. Criteria: ACMG Guidelines, 2015. Collection method: not provided. Allele origin: germline. Inheritance: Autosomal recessive inheritance. Affected: yes.